The following is an entry in ClinVar:

NM_001206927.2(DNAH8):c.8320C>T (p.Pro2774Ser)

Gene: DNAH8 (dynein axonemal heavy chain 8; plus strand). Cytogenetic location: 6p21.2.
Variant type: single nucleotide variant.
Coding change: c.8320C>T on transcript NM_001206927.2 (MANE Select); coding-DNA position 8320, C replaced by T.
Protein change: p.Pro2774Ser; replaces proline 2774 with serine.
Molecular consequence: missense variant.
Genome position (GRCh38, 1-based): chr6:38,886,851, C>T. VCF-style: chr6-38886851-C-T. GRCh37 (hg19) VCF-style: chr6-38854627-C-T.
Other names: c.7669C>T, p.Pro2557Ser (NM_001371.4); c.8320C>T (NM_001206927.1); short protein forms P2774S, P2557S.
Identifiers: ClinVar variation 2746840 (VCV002746840.4), dbSNP rs144296783, ClinGen allele CA3790160.

ClinVar aggregate classification (germline): Uncertain significance. Review status: criteria provided, multiple submitters, no conflicts (2 of 4 stars). 2 submissions from 2 submitters: Uncertain significance (2). Last evaluated 2025-08-22.

Conditions:
Primary ciliary dyskinesia. Also called: Ciliary dyskinesia. Identifiers: Orphanet 244, MedGen C0008780, MONDO:0016575, HP:0012265.

Allele frequency attached by ClinVar (database versions not stated): ExAC 0.00002; gnomAD 0.00002; TOPMed 0.00003; ESP Exome Variant Server 0.00008.
gnomAD v4.1: 75 of 1,613,950 alleles (0.0046%); highest among the groups gnomAD compares: Non-Finnish European, 0.0061%; no homozygotes.

Submissions (2):

Ambry Genetics
Classification: Uncertain significance. Last evaluated: 2025-08-22. Review status: criteria provided, single submitter. Criteria: Ambry Variant Classification Scheme 2023. Collection method: clinical testing. Allele origin: germline.

Labcorp Genetics (formerly Invitae), Labcorp
Classification: Uncertain significance for Primary ciliary dyskinesia. Last evaluated: 2024-05-20. Review status: criteria provided, single submitter. Criteria: Invitae Variant Classification Sherloc (09022015). Collection method: clinical testing. Allele origin: germline.
Comment: This sequence change replaces proline, which is neutral and non-polar, with serine, which is neutral and polar, at codon 2774 of the DNAH8 protein (p.Pro2774Ser). This variant is present in population databases (rs144296783, gnomAD 0.004%). This variant has not been reported in the literature in individuals affected with DNAH8-related conditions. Advanced modeling of protein sequence and biophysical properties (such as structural, functional, and spatial information, amino acid conservation, physicochemical variation, residue mobility, and thermodynamic stability) performed at Invitae indicates that this missense variant is not expected to disrupt DNAH8 protein function with a negative predictive value of 80%. In summary, the available evidence is currently insufficient to determine the role of this variant in disease. Therefore, it has been classified as a Variant of Uncertain Significance.